The following is an entry in ClinVar:

ClinVar aggregate classification (germline): Uncertain significance (1 of 4 stars; one submission).

Submission:

GeneDx
Classification: Uncertain significance. Last evaluated: 2025-08-07. Review status: criteria provided, single submitter. Criteria: GeneDx Variant Classification Process June 2021. Collection method: clinical testing. Allele origin: germline. Affected: yes.
Comment: Not observed at significant frequency in large population cohorts (gnomAD); In silico analysis suggests that this missense variant does not alter protein structure/function; Has not been previously published as pathogenic or benign to our knowledge

NM_004667.6(HERC2):c.4103G>C (p.Gly1368Ala)

Gene: HERC2 (HECT and RLD domain containing E3 ubiquitin protein ligase 2; minus strand). Cytogenetic location: 15q13.1.
Variant type: single nucleotide variant.
Coding change: c.4103G>C on transcript NM_004667.6 (MANE Select); coding-DNA position 4103, G replaced by C.
Protein change: p.Gly1368Ala; replaces glycine 1368 with alanine.
Molecular consequence: missense variant.
Genome position (GRCh38, 1-based): chr15:28,234,185, C>G on the plus strand (G>C on the coding strand, the complement: HERC2 is on the minus strand). VCF-style: chr15-28234185-C-G. GRCh37 (hg19) VCF-style: chr15-28479331-C-G.
Other names: short protein forms G1368A.
Identifiers: ClinVar variation 4755928 (VCV004755928.1).